The following is an entry in ClinVar:

ClinVar aggregate classification (germline): Uncertain significance. Review status: criteria provided, multiple submitters, no conflicts (2 of 4 stars). 2 submissions from 2 submitters: Uncertain significance (2). Last evaluated 2023-06-22.

Conditions:
Familial thoracic aortic aneurysm and aortic dissection (TAAD). Also called: Thoracic aortic aneurysms and dissections. Identifiers: Orphanet 91387, MedGen C4707243, MONDO:0019625.

Allele frequency attached by ClinVar (database versions not stated): gnomAD exomes below 0.00001.
gnomAD v4.1: 1 of 1,368,376 alleles (0.000073%); highest among the groups gnomAD compares: Non-Finnish European, 0.000095%; no homozygotes.

Submissions (2):

Ambry Genetics
Classification: Uncertain significance for Familial thoracic aortic aneurysm and aortic dissection. Last evaluated: 2023-06-22. Review status: criteria provided, single submitter. Criteria: Ambry Variant Classification Scheme 2023. Collection method: clinical testing. Allele origin: germline.
Comment: The p.G16R variant (also known as c.46G>A), located in coding exon 1 of the SKI gene, results from a G to A substitution at nucleotide position 46. The glycine at codon 16 is replaced by arginine, an amino acid with dissimilar properties. This amino acid position is conserved. In addition, the in silico prediction for this alteration is inconclusive. Since supporting evidence is limited at this time, the clinical significance of this alteration remains unclear.

GeneDx
Classification: Uncertain significance. Last evaluated: 2022-05-03. Review status: criteria provided, single submitter. Criteria: GeneDx Variant Classification Process June 2021. Collection method: clinical testing. Allele origin: germline. Affected: yes.
Comment: Not observed at significant frequency in large population cohorts (gnomAD); In silico analysis supports that this missense variant has a deleterious effect on protein structure/function; Has not been previously published as pathogenic or benign to our knowledge

NM_003036.4(SKI):c.46G>A (p.Gly16Arg)

Gene: SKI (SKI proto-oncogene; plus strand). Cytogenetic location: 1p36.33.
Variant type: single nucleotide variant.
Coding change: c.46G>A on transcript NM_003036.4 (MANE Select); coding-DNA position 46, G replaced by A.
Protein change: p.Gly16Arg; replaces glycine 16 with arginine.
Molecular consequence: missense variant.
Genome position (GRCh38, 1-based): chr1:2,228,812, G>A. VCF-style: chr1-2228812-G-A. GRCh37 (hg19) VCF-style: chr1-2160251-G-A.
Other names: short protein forms G16R.
Identifiers: ClinVar variation 1723107 (VCV001723107.4), dbSNP rs2527575289, ClinGen allele CA337951972.
Genomic context (GRCh38, chr1:2,228,812, plus strand): 5'-GAGCCGGAGCGCACCATGGAGGCGGCGGCAGGCGGCCGCGGCTGTTTCCAGCCGCACCCG[G>A]GGCTGCAGAAGACGCTGGAGCAGTTCCACCTGAGCTCCATGAGCTCGCTGGGCGGCCCGG-3'
Protein context (NP_003027.1, residues 6-26): GGRGCFQPHP[Gly16Arg]LQKTLEQFHL